The following is an entry in ClinVar:

NM_000088.4(COL1A1):c.3100-1G>A

Gene: COL1A1 (collagen type I alpha 1 chain; minus strand). Cytogenetic location: 17q21.33.
Variant type: single nucleotide variant.
Coding change: c.3100-1G>A on transcript NM_000088.4 (MANE Select); the canonical splice acceptor site of the intron before coding-DNA position 3100, G replaced by A.
Molecular consequence: splice acceptor variant.
Genome position (GRCh38, 1-based): chr17:50,188,638, C>T on the plus strand (G>A on the coding strand, the complement: COL1A1 is on the minus strand). VCF-style: chr17-50188638-C-T. GRCh37 (hg19) VCF-style: chr17-48265999-C-T.
Identifiers: ClinVar variation 953093 (VCV000953093.12), dbSNP rs1906773628, ClinGen allele CA400202892.

ClinVar aggregate classification (germline): Pathogenic. Review status: criteria provided, multiple submitters, no conflicts (2 of 4 stars). 3 submissions from 3 submitters: Pathogenic (3). Last evaluated 2025-08-29.

Conditions:
Osteogenesis imperfecta type I (OI1). Also called: Lobstein disease; OI, TYPE I; OSTEOGENESIS IMPERFECTA TARDA; OSTEOGENESIS IMPERFECTA WITH BLUE SCLERAE; Osteogenesis imperfecta type 1; Classic Non-deforming Osteogenesis Imperfecta with Blue Sclerae. Identifiers: Orphanet 216796, Orphanet 666, MedGen C0023931, MONDO:0008146, OMIM 166200. Disease mechanism: loss of function.

Submissions (3):

Labcorp Genetics (formerly Invitae), Labcorp
Classification: Pathogenic for Osteogenesis imperfecta type I. Last evaluated: 2025-08-29. Review status: criteria provided, single submitter. Criteria: Invitae Variant Classification Sherloc (09022015). Collection method: clinical testing. Allele origin: germline.
Comment: This sequence change affects an acceptor splice site in intron 42 of the COL1A1 gene. It is expected to disrupt RNA splicing. Variants that disrupt the donor or acceptor splice site typically lead to a loss of protein function (PMID: 16199547), and loss-of-function variants in COL1A1 are known to be pathogenic (PMID: 7942841, 9295084, 9443882). This variant is not present in population databases (gnomAD no frequency). Disruption of this splice site has been observed in individual(s) with osteogenesis imperfecta type 1 (PMID: 22206639). It has also been observed to segregate with disease in related individuals. ClinVar contains an entry for this variant (Variation ID: 953093). Algorithms developed to predict the effect of sequence changes on RNA splicing suggest that this variant may disrupt the consensus splice site. For these reasons, this variant has been classified as Pathogenic.

MVZ Martinsried, Medicover Genetics
Classification: Pathogenic for Osteogenesis imperfecta type I. Last evaluated: 2025-01-17. Review status: criteria provided, single submitter. Criteria: ACGS Guidelines, 2020. Collection method: clinical testing. Allele origin: unknown. Affected: yes. Observed: 1 heterozygote.

GeneDx
Classification: Pathogenic. Last evaluated: 2023-11-17. Review status: criteria provided, single submitter. Criteria: GeneDx Variant Classification Process June 2021. Collection method: clinical testing. Allele origin: germline. Affected: yes.
Comment: Canonical splice site variant predicted to result in a null allele in a gene for which loss of function is a known mechanism of disease; Damages or destroys the splice acceptor site in intron 42 and is expected to cause abnormal gene splicing; if the splice outcome is exon skip, the loss of the encoded residues in the triple helical region is expected to disrupt normal protein folding and function, an established mechanism of disease; Not observed at significant frequency in large population cohorts (gnomAD); This variant is associated with the following publications: (PMID: 25963598, 22206639)

Literature cited by the submitters: PubMed 16199547 (cited by Labcorp Genetics (formerly Invitae), Labcorp); PubMed 7942841 (cited by Labcorp Genetics (formerly Invitae), Labcorp); PubMed 9295084 (cited by Labcorp Genetics (formerly Invitae), Labcorp); PubMed 9443882 (cited by Labcorp Genetics (formerly Invitae), Labcorp); PubMed 22206639 (cited by Labcorp Genetics (formerly Invitae), Labcorp).